The following is an entry in ClinVar:

NM_001375567.1(FOCAD):c.4056T>C (p.Pro1352=)

Gene: FOCAD (focadhesin; plus strand). Cytogenetic location: 9p21.3.
Variant type: single nucleotide variant.
Coding change: c.4056T>C on transcript NM_001375567.1 (MANE Select); coding-DNA position 4056, T replaced by C.
Protein change: p.Pro1352=; no amino-acid change (proline 1352 retained).
Molecular consequence: synonymous variant.
Genome position (GRCh38, 1-based): chr9:20,952,989, T>C. VCF-style: chr9-20952989-T-C. GRCh37 (hg19) VCF-style: chr9-20952988-T-C.
Other names: c.3951T>C, p.Pro1317= (NM_001375570.1, NM_001375568.1); c.4056T>C, p.Pro1352= (NM_017794.5).
Identifiers: ClinVar variation 3653550 (VCV003653550.2).

ClinVar aggregate classification (germline): Uncertain significance (1 of 4 stars; one submission).

Submission:

Labcorp Genetics (formerly Invitae), Labcorp
Classification: Uncertain significance. Last evaluated: 2025-01-14. Review status: criteria provided, single submitter. Criteria: Invitae Variant Classification Sherloc (09022015). Collection method: clinical testing. Allele origin: germline.
Comment: This sequence change affects codon 1352 of the FOCAD mRNA. It is a 'silent' change, meaning that it does not change the encoded amino acid sequence of the FOCAD protein. This variant is not present in population databases (gnomAD no frequency). This variant has not been reported in the literature in individuals affected with FOCAD-related conditions. Experimental studies and prediction algorithms are not available or were not evaluated, and the effect of this variant on mRNA splicing is currently unknown. In summary, the available evidence is currently insufficient to determine the role of this variant in disease. Therefore, it has been classified as a Variant of Uncertain Significance.